The following is an entry in ClinVar:

NM_003742.4(ABCB11):c.3677G>C (p.Arg1226Pro)

Gene: ABCB11 (ATP binding cassette subfamily B member 11; minus strand). Cytogenetic location: 2q31.1.
Variant type: single nucleotide variant.
Coding change: c.3677G>C on transcript NM_003742.4 (MANE Select); coding-DNA position 3677, G replaced by C.
Protein change: p.Arg1226Pro; replaces arginine 1226 with proline.
Molecular consequence: missense variant.
Genome position (GRCh38, 1-based): chr2:168,924,745, C>G on the plus strand (G>C on the coding strand, the complement: ABCB11 is on the minus strand). VCF-style: chr2-168924745-C-G. GRCh37 (hg19) VCF-style: chr2-169781255-C-G.
Other names: short protein forms R1226P.
Identifiers: ClinVar variation 4846145 (VCV004846145.1).

ClinVar aggregate classification (germline): Uncertain significance (1 of 4 stars; one submission).

Conditions:
Familial intrahepatic cholestasis. Identifiers: Orphanet 284385, MedGen CN296401, MONDO:0017290.

Submission:

Genomenon, Inc
Classification: Uncertain significance for Familial intrahepatic cholestasis. Last evaluated: 2026-04-14. Review status: criteria provided, single submitter. Criteria: Genomenon Sequence Variant Interpretation Standards - Updated. Collection method: curation. Allele origin: germline. Affected: yes.
Comment: ABCB11 p.Arg1226Pro (c.3677G>C) is a missense variant that changes the amino acid at residue 1226 from Arginine to Proline. This variant has been observed in at least one proband with an ABCB11-related disorder (PMID:26382629). It has been observed in trans with a pathogenic or likely pathogenic variant (PMID:26382629). It is absent or not present at a significant frequency in gnomAD. In silico models predict that this variant is possibly or probably damaging. In conclusion, we classify ABCB11 p.Arg1226Pro (c.3677G>C) as a variant of uncertain significance.

Literature cited by the submitters: PubMed 26382629.